The following is an entry in ClinVar:

NM_032608.7(MYO18B):c.6895_6896dup (p.Asn2300fs)

Gene: MYO18B (myosin XVIIIB; plus strand). Cytogenetic location: 22q12.1.
Variant type: Duplication.
Coding change: c.6895_6896dup on transcript NM_032608.7 (MANE Select); coding-DNA positions 6895 to 6896, 2 bases duplicated (GG; older notation c.6895_6896dupGG).
Protein change: p.Asn2300fs; shifts the reading frame from asparagine 2300.
Molecular consequence: frameshift variant.
Genome position (GRCh38, 1-based): chr22:26,026,869-26,026,870, GG duplicated; duplicating any 2 consecutive bases within chr22:26,026,868-26,026,870 gives the same sequence; the c. name uses the placement nearest the transcript's 3' end. VCF-style (leftmost placement, unchanged base first): chr22-26026867-A-AGG. GRCh37 (hg19) VCF-style: chr22-26422833-A-AGG.
Other names: c.6898_6899dup, p.Asn2301fs (NM_001318245.2); short protein forms N2301fs, N2300fs.
Identifiers: ClinVar variation 1904386 (VCV001904386.5), dbSNP rs1177091005, ClinGen allele CA638953564.
Genomic context (GRCh38, chr22:26,026,867, plus strand): 5'-TCCCCATTTACCAGACGACTGGGGCCTCCACACTAAGGAGGGGCAGGGCTGGCAGTGACG[A>AGG]GGGAAACCTCTCGCTGAGGGTTGGGGCAAAGTCACCCCTGGAAATCGAAGGGGCCGCTGG-3'

ClinVar aggregate classification (germline): Pathogenic (1 of 4 stars; one submission).

Submission:

Labcorp Genetics (formerly Invitae), Labcorp
Classification: Pathogenic. Last evaluated: 2024-09-20. Review status: criteria provided, single submitter. Criteria: Invitae Variant Classification Sherloc (09022015). Collection method: clinical testing. Allele origin: germline.
Comment: This sequence change creates a premature translational stop signal (p.Asn2300Glufs*5) in the MYO18B gene. It is expected to result in an absent or disrupted protein product. Loss-of-function variants in MYO18B are known to be pathogenic (PMID: 25748484, 32184166, 32637634). This variant is present in population databases (no rsID available, gnomAD 0.002%). This variant has not been reported in the literature in individuals affected with MYO18B-related conditions. ClinVar contains an entry for this variant (Variation ID: 1904386). For these reasons, this variant has been classified as Pathogenic.

Literature cited by the submitters: PubMed 25748484; PubMed 32184166; PubMed 32637634.